The following is an entry in ClinVar:

NM_000282.4(PCCA):c.409C>A (p.Gln137Lys)

Gene: PCCA (propionyl-CoA carboxylase subunit alpha; plus strand). Cytogenetic location: 13q32.3.
Variant type: single nucleotide variant.
Coding change: c.409C>A on transcript NM_000282.4 (MANE Select); coding-DNA position 409, C replaced by A.
Protein change: p.Gln137Lys; replaces glutamine 137 with lysine.
Molecular consequence: missense variant. On other transcripts: 5 prime UTR variant (3), non-coding transcript variant (5).
Genome position (GRCh38, 1-based): chr13:100,155,087, C>A. VCF-style: chr13-100155087-C-A. GRCh37 (hg19) VCF-style: chr13-100807341-C-A.
Other names: c.331C>A, p.Gln111Lys (NM_001127692.3, NM_001352607.2, NM_001352608.2); c.409C>A, p.Gln137Lys (NM_001178004.2, NM_001352605.2, NM_001352606.2 and 1 more transcripts); c.-458C>A (NM_001352610.2, NM_001352611.2, NM_001352612.2); short protein forms Q111K, Q137K.
Identifiers: ClinVar variation 1980796 (VCV001980796.4), dbSNP rs1288497432, ClinGen allele CA388693787.
Genomic context (GRCh38, chr13:100,155,087, plus strand): 5'-ACCAGTAAAAGCTACCTCAACATGGATGCCATCATGGAAGCCATTAAGAAAACCAGGGCC[C>A]AAGCTGTGAGTCTGAATGAATCTATCTACTGCAGCTGTTTCATATGTAGTGAGCAGAAAG-3'
Protein context (NP_000273.2, residues 127-147): IMEAIKKTRA[Gln137Lys]AVHPGYGFLS

ClinVar aggregate classification (germline): Uncertain significance (1 of 4 stars; one submission).

Conditions:
Propionic acidemia (PROP). Also called: GLYCINEMIA, KETOTIC; HYPERGLYCINEMIA WITH KETOACIDOSIS AND LEUKOPENIA; KETOTIC HYPERGLYCINEMIA. Identifiers: Orphanet 35, MedGen C0268579, MONDO:0011628, OMIM 606054, HP:0003571.

Allele frequency attached by ClinVar (database versions not stated): gnomAD exomes below 0.00001; TOPMed below 0.00001; gnomAD 0.00001.
gnomAD v4.1: 2 of 1,602,836 alleles (0.00012%); highest among the groups gnomAD compares: Non-Finnish European, 0.00017%; no homozygotes.

Submission:

Labcorp Genetics (formerly Invitae), Labcorp
Classification: Uncertain significance for Propionic acidemia. Last evaluated: 2022-05-07. Review status: criteria provided, single submitter. Criteria: Invitae Variant Classification Sherloc (09022015). Collection method: clinical testing. Allele origin: germline.
Comment: In summary, the available evidence is currently insufficient to determine the role of this variant in disease. Therefore, it has been classified as a Variant of Uncertain Significance. Advanced modeling of protein sequence and biophysical properties (such as structural, functional, and spatial information, amino acid conservation, physicochemical variation, residue mobility, and thermodynamic stability) performed at Invitae indicates that this missense variant is expected to disrupt PCCA protein function. This variant has not been reported in the literature in individuals affected with PCCA-related conditions. This variant is not present in population databases (gnomAD no frequency). This sequence change replaces glutamine, which is neutral and polar, with lysine, which is basic and polar, at codon 137 of the PCCA protein (p.Gln137Lys).